The following is an entry in ClinVar:

ClinVar aggregate classification (germline): Uncertain significance. Review status: criteria provided, multiple submitters, no conflicts (2 of 4 stars). 2 submissions from 2 submitters: Uncertain significance (2). Last evaluated 2026-01-27.

Conditions:
Myofibrillar myopathy 5. Also called: FILAMINOPATHY, AUTOSOMAL DOMINANT; Filaminopathy (type). Identifiers: Orphanet 171445, MedGen C1836050, MONDO:0012289, OMIM 609524.
Distal myopathy with posterior leg and anterior hand involvement. Also called: WILLIAMS DISTAL MYOPATHY. Identifiers: Orphanet 63273, MedGen C3279722, MONDO:0013550, OMIM 614065.
Hypertrophic cardiomyopathy 26. Also called: Cardiomyopathy, familial hypertrophic, 26. Identifiers: Orphanet 75249, MedGen C4310749, MONDO:0014883, OMIM 617047.
Cardiovascular phenotype. Identifiers: MedGen CN230736.

Allele frequency attached by ClinVar (database versions not stated): gnomAD 0.00001; gnomAD exomes 0.00003; ExAC 0.00004.
gnomAD v4.1: 50 of 1,612,306 alleles (0.0031%); highest among the groups gnomAD compares: South Asian, 0.053%; no homozygotes.

Submissions (2):

Labcorp Genetics (formerly Invitae), Labcorp
Classification: Uncertain significance for Distal myopathy with posterior leg and anterior hand involvement; Myofibrillar myopathy 5; Hypertrophic cardiomyopathy 26. Last evaluated: 2026-01-27. Review status: criteria provided, single submitter. Criteria: Invitae Variant Classification Sherloc (09022015). Collection method: clinical testing. Allele origin: germline.
Comment: This sequence change replaces isoleucine, which is neutral and non-polar, with valine, which is neutral and non-polar, at codon 285 of the FLNC protein (p.Ile285Val). This variant is present in population databases (rs757478509, gnomAD 0.05%), and has an allele count higher than expected for a pathogenic variant. This variant has not been reported in the literature in individuals affected with FLNC-related conditions. ClinVar contains an entry for this variant (Variation ID: 2161465). An algorithm developed to predict the effect of missense changes on protein structure and function (PolyPhen-2) suggests that this variant is likely to be tolerated. In summary, the available evidence is currently insufficient to determine the role of this variant in disease. Therefore, it has been classified as a Variant of Uncertain Significance.

Ambry Genetics
Classification: Uncertain significance for Cardiovascular phenotype. Last evaluated: 2025-03-11. Review status: criteria provided, single submitter. Criteria: Ambry Variant Classification Scheme 2023. Collection method: clinical testing. Allele origin: germline.
Comment: The p.I285V variant (also known as c.853A>G), located in coding exon 5 of the FLNC gene, results from an A to G substitution at nucleotide position 853. The isoleucine at codon 285 is replaced by valine, an amino acid with highly similar properties. This amino acid position is well conserved in available vertebrate species. In addition, this alteration is predicted to be tolerated by in silico analysis. Based on the available evidence, the clinical significance of this variant remains unclear.

NM_001458.5(FLNC):c.853A>G (p.Ile285Val)

Gene: FLNC (filamin C; plus strand). Cytogenetic location: 7q32.1.
Variant type: single nucleotide variant.
Coding change: c.853A>G on transcript NM_001458.5 (MANE Select); coding-DNA position 853, A replaced by G.
Protein change: p.Ile285Val; replaces isoleucine 285 with valine.
Molecular consequence: missense variant.
Genome position (GRCh38, 1-based): chr7:128,837,639, A>G. VCF-style: chr7-128837639-A-G. GRCh37 (hg19) VCF-style: chr7-128477693-A-G.
Other names: c.853A>G, p.Ile285Val (NM_001127487.2); short protein forms I285V.
Identifiers: ClinVar variation 2161465 (VCV002161465.4), dbSNP rs757478509, ClinGen allele CA4474153.
Genomic context (GRCh38, chr7:128,837,639, plus strand): 5'-GCAGCTGGGCACATGTAGGCTCTCCCTGAGTAACCTGGGCTCTGCTCCTGCCCCGTAGGC[A>G]TCGAGCCACAGGGCAACACCGTGCTGCAGCCTGCCCACTTCACCGTGCAGACGGTGGACG-3'
Protein context (NP_001449.3, residues 275-295): PKKAIAYGPG[Ile285Val]EPQGNTVLQP